The following is an entry in ClinVar:

ClinVar aggregate classification (germline): Benign/Likely benign. Review status: criteria provided, multiple submitters, no conflicts (2 of 4 stars). 6 submissions from 6 submitters: Benign (1); Likely benign (4). 1 of the submissions does not count toward it. Last evaluated 2026-01-28.

Conditions:
CDC45-related disorder. Also called: CDC45-related condition.

Allele frequency attached by ClinVar (database versions not stated): ExAC 0.00259; gnomAD exomes 0.00267 and 0.00441; TOPMed 0.00300; gnomAD 0.00304 and 0.00320; 1000 Genomes Project 0.00379; 1000 Genomes Project 30x 0.00406.
gnomAD v4.1: 6,573 of 1,552,294 alleles (0.42%); highest among the groups gnomAD compares: Non-Finnish European, 0.53%; 19 homozygotes.

Submissions (6):

Labcorp Genetics (formerly Invitae), Labcorp
Classification: Benign. Last evaluated: 2026-01-28. Review status: criteria provided, single submitter. Criteria: Invitae Variant Classification Sherloc (09022015). Collection method: clinical testing. Allele origin: germline.

CeGaT Center for Human Genetics Tuebingen
Classification: Likely benign. Last evaluated: 2025-11-01. Review status: criteria provided, single submitter. Criteria: CeGaT Center For Human Genetics Tuebingen Variant Classification Criteria Version 2. Collection method: clinical testing. Allele origin: germline. Affected: yes. Observed: 4 variant alleles.
Comment: CDC45: BP4, BS2

Blueprint Genetics
Classification: Likely benign. Last evaluated: 2024-11-21. Review status: criteria provided, single submitter. Criteria: ACMG Guidelines, 2015. Collection method: clinical testing. Allele origin: germline.

GeneDx
Classification: Likely benign. Last evaluated: 2020-06-11. Review status: criteria provided, single submitter. Criteria: GeneDx Variant Classification Process June 2021. Collection method: clinical testing. Allele origin: germline. Affected: yes.
Comment: This variant is associated with the following publications: (PMID: 31474763)

Breakthrough Genomics
Classification: Likely benign. Review status: criteria provided, single submitter. Criteria: ACMG Guidelines, 2015. Collection method: not provided. Allele origin: germline. Inheritance: Autosomal recessive inheritance. Affected: yes.

PreventionGenetics, part of Exact Sciences
Classification: Likely benign for CDC45-related condition. Last evaluated: 2022-02-23. Review status: no assertion criteria provided. Collection method: clinical testing. Allele origin: germline. Not counted in ClinVar's aggregate classification.
Comment: This variant is classified as likely benign based on ACMG/AMP sequence variant interpretation guidelines (Richards et al. 2015 PMID: 25741868, with internal and published modifications).

NM_003504.5(CDC45):c.542+130C>G

Gene: CDC45 (cell division cycle 45; plus strand). Cytogenetic location: 22q11.21.
Variant type: single nucleotide variant.
Coding change: c.542+130C>G on transcript NM_003504.5 (MANE Select); 130 bases into the intron after coding-DNA position 542, C replaced by G.
Molecular consequence: intron variant. On other transcripts: missense variant (1).
Genome position (GRCh38, 1-based): chr22:19,494,512, C>G. VCF-style: chr22-19494512-C-G. GRCh37 (hg19) VCF-style: chr22-19482035-C-G.
Other names: c.548C>G, p.Ser183Cys (NM_001178010.2); c.506+130C>G (NM_001369291.1); c.404+130C>G (NM_001178011.2); short protein forms S183C.
Identifiers: ClinVar variation 716032 (VCV000716032.40), dbSNP rs151216373, ClinGen allele CA10101101.